The following is an entry in ClinVar:

ClinVar aggregate classification (germline): Benign. Review status: criteria provided, multiple submitters, no conflicts (2 of 4 stars). 6 submissions from 6 submitters: Benign (4). 2 of the submissions do not count toward it. Last evaluated 2026-02-02.

Allele frequency attached by ClinVar (database versions not stated): gnomAD exomes 0.00218 and 0.00582; ExAC 0.00746; gnomAD 0.02292 and 0.02466; ESP Exome Variant Server 0.02461; TOPMed 0.02593; 1000 Genomes Project 0.02736; 1000 Genomes Project 30x 0.02858.
gnomAD v4.1: 6,782 of 1,612,994 alleles (0.42%); highest among the groups gnomAD compares: African/African-American, 8.1%; 255 homozygotes.

Submissions (6):

Labcorp Genetics (formerly Invitae), Labcorp
Classification: Benign. Last evaluated: 2026-02-02. Review status: criteria provided, single submitter. Criteria: Invitae Variant Classification Sherloc (09022015). Collection method: clinical testing. Allele origin: germline.

ARUP Laboratories, Molecular Genetics and Genomics, ARUP Laboratories
Classification: Benign. Last evaluated: 2023-11-29. Review status: criteria provided, single submitter. Criteria: ARUP Molecular Germline Variant Investigation Process 2024. Collection method: clinical testing. Allele origin: germline.

GeneDx
Classification: Benign. Last evaluated: 2016-07-11. Review status: criteria provided, single submitter. Criteria: GeneDx Variant Classification (06012015). Collection method: clinical testing. Allele origin: germline. Affected: yes.
Comment: This variant is considered likely benign or benign based on one or more of the following criteria: it is a conservative change, it occurs at a poorly conserved position in the protein, it is predicted to be benign by multiple in silico algorithms, and/or has population frequency not consistent with disease.

Breakthrough Genomics
Classification: Benign. Review status: criteria provided, single submitter. Criteria: ACMG Guidelines, 2015. Collection method: not provided. Allele origin: germline. Inheritance: Autosomal recessive inheritance. Affected: yes.

Clinical Genetics DNA and cytogenetics Diagnostics Lab, Erasmus MC, Erasmus Medical Center
Classification: Benign. Review status: no assertion criteria provided. Collection method: clinical testing. Allele origin: germline. Affected: yes. Study: VKGL Data-share Consensus. Not counted in ClinVar's aggregate classification.

Clinical Genetics, Academic Medical Center
Classification: Benign. Review status: no assertion criteria provided. Collection method: clinical testing. Allele origin: germline. Affected: yes. Study: VKGL Data-share Consensus. Not counted in ClinVar's aggregate classification.

NM_001291303.3(FAT4):c.12852C>T (p.Ser4284=)

Gene: FAT4 (FAT atypical cadherin 4; plus strand). Cytogenetic location: 4q28.1.
Variant type: single nucleotide variant.
Coding change: c.12852C>T on transcript NM_001291303.3 (MANE Select); coding-DNA position 12852, C replaced by T.
Protein change: p.Ser4284=; no amino-acid change (serine 4284 retained).
Molecular consequence: synonymous variant.
Genome position (GRCh38, 1-based): chr4:125,487,374, C>T. VCF-style: chr4-125487374-C-T. GRCh37 (hg19) VCF-style: chr4-126408529-C-T.
Other names: c.12852C>T, p.Ser4284= (NM_001291285.3); c.12846C>T, p.Ser4282= (NM_024582.6).
Identifiers: ClinVar variation 385986 (VCV000385986.15), dbSNP rs17009819, ClinGen allele CA3074214.
Genomic context (GRCh38, chr4:125,487,374, plus strand): 5'-AATTGCATACTATTTTTAATATGTTTTACAGATTAAGAATGGCAAAGTATATTTTACATC[C>T]GATGCAGGAATTGCTGGGAAAGTGGAGAGAAATATTCCTGAAGTATATGTTGCAGACGGC-3'
Protein context (NP_001278232.1, residues 4274-4294): KIKNGKVYFT[Ser4284=]DAGIAGKVER